The following is an entry in ClinVar:

NM_001854.4(COL11A1):c.2880C>T (p.Thr960=)

Gene: COL11A1 (collagen type XI alpha 1 chain; minus strand). Cytogenetic location: 1p21.1.
Variant type: single nucleotide variant.
Coding change: c.2880C>T on transcript NM_001854.4 (MANE Select); coding-DNA position 2880, C replaced by T.
Protein change: p.Thr960=; no amino-acid change (threonine 960 retained).
Molecular consequence: synonymous variant. On other transcripts: non-coding transcript variant (1).
Genome position (GRCh38, 1-based): chr1:102,965,523, G>A on the plus strand (C>T on the coding strand, the complement: COL11A1 is on the minus strand). VCF-style: chr1-102965523-G-A. GRCh37 (hg19) VCF-style: chr1-103431079-G-A.
Other names: c.2763C>T, p.Thr921= (NM_001190709.2); c.2916C>T, p.Thr972= (NM_080629.3); c.2532C>T, p.Thr844= (NM_080630.4).
Identifiers: ClinVar variation 3621474 (VCV003621474.3).

ClinVar aggregate classification (germline): Benign/Likely benign. Review status: criteria provided, multiple submitters, no conflicts (2 of 4 stars). 2 submissions from 2 submitters: Benign (1); Likely benign (1). Last evaluated 2026-09-01.

gnomAD v4.1: 11 of 1,613,372 alleles (0.00068%); highest among the groups gnomAD compares: African/African-American, 0.0027%; no homozygotes.

Submissions (2):

CeGaT Center for Human Genetics Tuebingen
Classification: Likely benign. Last evaluated: 2026-09-01. Review status: criteria provided, single submitter. Criteria: CeGaT Center For Human Genetics Tuebingen Variant Classification Criteria Version 2. Collection method: clinical testing. Allele origin: germline. Affected: yes. Observed: 1 variant allele.
Comment: COL11A1: BP4, BP7

Labcorp Genetics (formerly Invitae), Labcorp
Classification: Benign. Last evaluated: 2024-12-14. Review status: criteria provided, single submitter. Criteria: Invitae Variant Classification Sherloc (09022015). Collection method: clinical testing. Allele origin: germline.